The following is an entry in ClinVar:

ClinVar aggregate classification (germline): Uncertain significance (1 of 4 stars; one submission).

Allele frequency attached by ClinVar (database versions not stated): gnomAD exomes 0.00001.
gnomAD v4.1: 6 of 1,614,126 alleles (0.00037%); highest among the groups gnomAD compares: Non-Finnish European, 0.00051%; no homozygotes.

Submission:

Ambry Genetics
Classification: Uncertain significance. Last evaluated: 2022-03-29. Review status: criteria provided, single submitter. Criteria: Ambry Variant Classification Scheme 2023. Collection method: clinical testing. Allele origin: germline.
Comment: The p.G1554A variant (also known as c.4661G>C), located in coding exon 4 of the ALPK2 gene, results from a G to C substitution at nucleotide position 4661. The glycine at codon 1554 is replaced by alanine, an amino acid with similar properties. This amino acid position is conserved. In addition, this alteration is predicted to be tolerated by in silico analysis. Since supporting evidence is limited at this time, the clinical significance of this alteration remains unclear.

NM_052947.4(ALPK2):c.4661G>C (p.Gly1554Ala)

Genes: ALPK2 (alpha kinase 2; minus strand), LOC126862764 (BRD4-independent group 4 enhancer GRCh37_chr18:56202574-56203773; plus strand). Cytogenetic location: 18q21.31.
Variant type: single nucleotide variant.
Coding change: c.4661G>C on transcript NM_052947.4 (MANE Select); coding-DNA position 4661, G replaced by C.
Protein change: p.Gly1554Ala; replaces glycine 1554 with alanine.
Molecular consequence: missense variant.
Genome position (GRCh38, 1-based): chr18:58,535,526, C>G on the plus strand (G>C on the coding strand, the complement: ALPK2 is on the minus strand). VCF-style: chr18-58535526-C-G. GRCh37 (hg19) VCF-style: chr18-56202758-C-G.
Other names: short protein forms G1554A.
Identifiers: ClinVar variation 1742258 (VCV001742258.2), dbSNP rs1216709168, ClinGen allele CA402560573.